The following is an entry in ClinVar:

ClinVar aggregate classification (germline): Uncertain significance (1 of 4 stars; one submission).

Conditions:
Inborn genetic diseases. Identifiers: MedGen C0950123, MeSH D030342.

gnomAD v4.1: 8 of 1,420,064 alleles (0.00056%); highest among the groups gnomAD compares: Non-Finnish European, 0.00054%; no homozygotes.

Submission:

Ambry Genetics
Classification: Uncertain significance for Inborn genetic diseases. Last evaluated: 2024-12-07. Review status: criteria provided, single submitter. Criteria: Ambry Variant Classification Scheme 2023. Collection method: clinical testing. Allele origin: germline.
Comment: The p.P230A variant (also known as c.688C>G), located in coding exon 1 of the SH2B3 gene, results from a C to G substitution at nucleotide position 688. The proline at codon 230 is replaced by alanine, an amino acid with highly similar properties. This amino acid position is conserved. In addition, this alteration is predicted to be tolerated by in silico analysis. Based on the available evidence, the clinical significance of this variant remains unclear.

NM_005475.3(SH2B3):c.688C>G (p.Pro230Ala)

Gene: SH2B3 (SH2B adaptor protein 3; plus strand). Cytogenetic location: 12q24.12.
Variant type: single nucleotide variant.
Coding change: c.688C>G on transcript NM_005475.3 (MANE Select); coding-DNA position 688, C replaced by G.
Protein change: p.Pro230Ala; replaces proline 230 with alanine.
Molecular consequence: missense variant.
Genome position (GRCh38, 1-based): chr12:111,418,833, C>G. VCF-style: chr12-111418833-C-G. GRCh37 (hg19) VCF-style: chr12-111856637-C-G.
Other names: short protein forms P230A.
Identifiers: ClinVar variation 3440839 (VCV003440839.1).
Genomic context (GRCh38, chr12:111,418,833, plus strand): 5'-TCCATGGACAGCGGGGCACGCTGGCAGCGCGGGAGGCTGGCGCTGCGCCGGGCCCCGGGC[C>G]CCGATGGCCCCGACCGCGTGCTGGAGCTCTTCGACCCACCCAAGGTAAGTAAGCCCTGCC-3'
Protein context (NP_005466.1, residues 220-240): GRLALRRAPG[Pro230Ala]DGPDRVLELF